The following is an entry in ClinVar:

NM_006206.6(PDGFRA):c.145T>C (p.Cys49Arg)

Gene: PDGFRA (platelet derived growth factor receptor alpha; plus strand). Cytogenetic location: 4q12.
Variant type: single nucleotide variant.
Coding change: c.145T>C on transcript NM_006206.6 (MANE Select); coding-DNA position 145, T replaced by C.
Protein change: p.Cys49Arg; replaces cysteine 49 with arginine.
Molecular consequence: missense variant.
Genome position (GRCh38, 1-based): chr4:54,261,190, T>C. VCF-style: chr4-54261190-T-C. GRCh37 (hg19) VCF-style: chr4-55127357-T-C.
Other names: c.145T>C, p.Cys49Arg (NM_001347827.2, NM_001347829.2); c.220T>C, p.Cys74Arg (NM_001347828.2); c.184T>C, p.Cys62Arg (NM_001347830.2); short protein forms C74R, C49R, C62R.
Identifiers: ClinVar variation 2587716 (VCV002587716.6), dbSNP rs2475421781, ClinGen allele CA356888340.

ClinVar aggregate classification (germline): Uncertain significance. Review status: criteria provided, multiple submitters, no conflicts (2 of 4 stars). 3 submissions from 3 submitters: Uncertain significance (3). Last evaluated 2023-11-08.

Conditions:
Polyps, multiple and recurrent inflammatory fibroid, gastrointestinal. Identifiers: MedGen C5193005, MONDO:0008285, OMIM 175510.
Hereditary cancer-predisposing syndrome. Also called: Hereditary Cancer Syndrome; Hereditary neoplastic syndrome; Neoplastic Syndromes, Hereditary; Tumor predisposition. Identifiers: Orphanet 140162, MedGen C0027672, MeSH D009386, MONDO:0015356.
Gastrointestinal stromal tumor. Also called: Gastrointestinal stromal tumor, somatic; Gastrointestinal stroma tumor. Identifiers: Orphanet 44890, MedGen C0238198, MeSH D046152, MONDO:0011719, OMIM 606764, HP:0100723.

Allele frequency attached by ClinVar (database versions not stated): gnomAD exomes below 0.00001.
gnomAD v4.1: 2 of 1,614,146 alleles (0.00012%); highest among the groups gnomAD compares: South Asian, 0.0011%; no homozygotes.

Submissions (3):

Baylor Genetics
Classification: Uncertain significance for Polyps, multiple and recurrent inflammatory fibroid, gastrointestinal. Last evaluated: 2023-11-08. Review status: criteria provided, single submitter. Criteria: ACMG Guidelines, 2015. Collection method: clinical testing. Allele origin: unknown.

Labcorp Genetics (formerly Invitae), Labcorp
Classification: Uncertain significance for Gastrointestinal stromal tumor. Last evaluated: 2023-09-15. Review status: criteria provided, single submitter. Criteria: Invitae Variant Classification Sherloc (09022015). Collection method: clinical testing. Allele origin: germline.
Comment: This sequence change replaces cysteine, which is neutral and slightly polar, with arginine, which is basic and polar, at codon 49 of the PDGFRA protein (p.Cys49Arg). This variant is not present in population databases (gnomAD no frequency). This variant has not been reported in the literature in individuals affected with PDGFRA-related conditions. Advanced modeling of protein sequence and biophysical properties (such as structural, functional, and spatial information, amino acid conservation, physicochemical variation, residue mobility, and thermodynamic stability) has been performed at Invitae for this missense variant, however the output from this modeling did not meet the statistical confidence thresholds required to predict the impact of this variant on PDGFRA protein function. In summary, the available evidence is currently insufficient to determine the role of this variant in disease. Therefore, it has been classified as a Variant of Uncertain Significance.

Ambry Genetics
Classification: Uncertain significance for Hereditary cancer-predisposing syndrome. Last evaluated: 2023-07-13. Review status: criteria provided, single submitter. Criteria: Ambry Variant Classification Scheme 2023. Collection method: clinical testing. Allele origin: germline.
Comment: The p.C49R variant (also known as c.145T>C), located in coding exon 2 of the PDGFRA gene, results from a T to C substitution at nucleotide position 145. The cysteine at codon 49 is replaced by arginine, an amino acid with highly dissimilar properties. This amino acid position is conserved. In addition, this alteration is predicted to be deleterious by in silico analysis. Since supporting evidence is limited at this time, the clinical significance of this alteration remains unclear.